The following is an entry in ClinVar:

ClinVar aggregate classification (germline): Uncertain significance (1 of 4 stars; one submission).

Submission:

GeneDx
Classification: Uncertain significance. Last evaluated: 2019-04-15. Review status: criteria provided, single submitter. Criteria: GeneDx Variant Classification Process June 2021. Collection method: clinical testing. Allele origin: germline. Affected: yes.
Comment: Not observed in large population cohorts (Lek et al., 2016); In silico analysis, which includes protein predictors and evolutionary conservation, supports a deleterious effect; Has not been previously published as pathogenic or benign to our knowledge

NM_017617.5(NOTCH1):c.3301T>C (p.Cys1101Arg)

Gene: NOTCH1 (notch receptor 1; minus strand). Cytogenetic location: 9q34.3.
Variant type: single nucleotide variant.
Coding change: c.3301T>C on transcript NM_017617.5 (MANE Select); coding-DNA position 3301, T replaced by C.
Protein change: p.Cys1101Arg; replaces cysteine 1101 with arginine.
Molecular consequence: missense variant.
Genome position (GRCh38, 1-based): chr9:136,508,256, A>G on the plus strand (T>C on the coding strand, the complement: NOTCH1 is on the minus strand). VCF-style: chr9-136508256-A-G. GRCh37 (hg19) VCF-style: chr9-139402708-A-G.
Other names: short protein forms C1101R.
Identifiers: ClinVar variation 1211924 (VCV001211924.3), dbSNP rs2133347137, ClinGen allele CA375551869.